The following is an entry in ClinVar:

ClinVar aggregate classification (germline): Uncertain significance (1 of 4 stars; one submission).

Conditions:
Brugada syndrome. Also called: Sudden unexplained nocturnal death syndrome; Sudden unexpected nocturnal death syndrome; Sudden Unexplained Death Syndrome; Sudden Unexplained Nocturnal Death Syndrome (SUNDS). Identifiers: Orphanet 130, MedGen C1142166, MONDO:0015263.

Allele frequency attached by ClinVar (database versions not stated): gnomAD exomes below 0.00001.
gnomAD v4.1: 1 of 1,614,172 alleles (0.000062%); highest among the groups gnomAD compares: Admixed American, 0.0017%; no homozygotes.

Submission:

Labcorp Genetics (formerly Invitae), Labcorp
Classification: Uncertain significance for Brugada syndrome. Last evaluated: 2023-01-09. Review status: criteria provided, single submitter. Criteria: Invitae Variant Classification Sherloc (09022015). Collection method: clinical testing. Allele origin: germline.
Comment: In summary, the available evidence is currently insufficient to determine the role of this variant in disease. Therefore, it has been classified as a Variant of Uncertain Significance. Algorithms developed to predict the effect of missense changes on protein structure and function (SIFT, PolyPhen-2, Align-GVGD) all suggest that this variant is likely to be tolerated. This variant has not been reported in the literature in individuals affected with SLMAP-related conditions. This variant is not present in population databases (gnomAD no frequency). This sequence change replaces glutamic acid, which is acidic and polar, with aspartic acid, which is acidic and polar, at codon 598 of the SLMAP protein (p.Glu598Asp).

NM_001377540.1(SLMAP):c.1896G>T (p.Glu632Asp)

Gene: SLMAP (sarcolemma associated protein; plus strand). Cytogenetic location: 3p14.3.
Variant type: single nucleotide variant.
Coding change: c.1896G>T on transcript NM_001377540.1 (MANE Select); coding-DNA position 1896, G replaced by T.
Protein change: p.Glu632Asp; replaces glutamic acid 632 with aspartic acid.
Molecular consequence: missense variant. On other transcripts: non-coding transcript variant (1).
Genome position (GRCh38, 1-based): chr3:57,912,577, G>T. VCF-style: chr3-57912577-G-T. GRCh37 (hg19) VCF-style: chr3-57898304-G-T.
Other names: c.1845G>T, p.Glu615Asp (NM_001304420.3, NM_001377541.1, NM_001377542.1); c.1731G>T, p.Glu577Asp (NM_001304421.2, NM_001377557.1, NM_001377559.1); c.447G>T, p.Glu149Asp (NM_001304422.3, NM_001311178.2); c.249G>T, p.Glu83Asp (NM_001304423.3); c.324G>T, p.Glu108Asp (NM_001311179.2, NM_001377926.1, NM_001377927.1 and 1 more transcripts); c.1917G>T, p.Glu639Asp (NM_001377538.1); c.1896G>T, p.Glu632Asp (NM_001377539.1); c.1833G>T, p.Glu611Asp (NM_001377545.1); and 8 more; short protein forms E570D, E574D, E577D, E591D, E557D, E598D, E611D, E615D.
Identifiers: ClinVar variation 2181873 (VCV002181873.4), dbSNP rs2475848481, ClinGen allele CA353408634.